The following is an entry in ClinVar:

ClinVar aggregate classification (germline): Pathogenic. Review status: criteria provided, multiple submitters, no conflicts (2 of 4 stars). 3 submissions from 3 submitters: Pathogenic (3). Last evaluated 2025-04-17.

Conditions:
Hypertrophic cardiomyopathy 26. Also called: Cardiomyopathy, familial hypertrophic, 26. Identifiers: Orphanet 75249, MedGen C4310749, MONDO:0014883, OMIM 617047.
Distal myopathy with posterior leg and anterior hand involvement. Also called: WILLIAMS DISTAL MYOPATHY. Identifiers: Orphanet 63273, MedGen C3279722, MONDO:0013550, OMIM 614065.
Myofibrillar myopathy 5. Also called: Filaminopathy (type); FILAMINOPATHY, AUTOSOMAL DOMINANT. Identifiers: Orphanet 171445, MedGen C1836050, MONDO:0012289, OMIM 609524.
Cardiovascular phenotype. Identifiers: MedGen CN230736.

Allele frequency attached by ClinVar (database versions not stated): TOPMed 0.00002; gnomAD exomes below 0.00001.
gnomAD v4.1: 4 of 1,603,058 alleles (0.00025%); highest among the groups gnomAD compares: Non-Finnish European, 0.00034%; no homozygotes.

Submissions (3):

Labcorp Genetics (formerly Invitae), Labcorp
Classification: Pathogenic for Distal myopathy with posterior leg and anterior hand involvement; Myofibrillar myopathy 5; Hypertrophic cardiomyopathy 26. Last evaluated: 2025-04-17. Review status: criteria provided, single submitter. Criteria: Invitae Variant Classification Sherloc (09022015). Collection method: clinical testing. Allele origin: germline.
Comment: This sequence change creates a premature translational stop signal (p.Arg1370*) in the FLNC gene. It is expected to result in an absent or disrupted protein product. Loss-of-function variants in FLNC are known to be pathogenic (PMID: 27908349). This variant is not present in population databases (gnomAD no frequency). This variant has not been reported in the literature in individuals affected with FLNC-related conditions. ClinVar contains an entry for this variant (Variation ID: 842060). For these reasons, this variant has been classified as Pathogenic.

Ambry Genetics
Classification: Pathogenic for Cardiovascular phenotype. Last evaluated: 2024-05-24. Review status: criteria provided, single submitter. Criteria: Ambry Variant Classification Scheme 2023. Collection method: clinical testing. Allele origin: germline.
Comment: The p.R1370* pathogenic mutation (also known as c.4108C>T), located in coding exon 23 of the FLNC gene, results from a C to T substitution at nucleotide position 4108. This changes the amino acid from an arginine to a stop codon within coding exon 23. This variant is considered to be rare based on population cohorts in the Genome Aggregation Database (gnomAD). This alteration is expected to result in loss of function by premature protein truncation or nonsense-mediated mRNA decay. As such, this alteration is interpreted as a disease-causing mutation for FLNC-related dilated cardiomyopathy; however, its clinical significance for FLNC-related hypertrophic/restrictive cardiomyopathy and/or skeletal myopathy is uncertain.

Victorian Clinical Genetics Services, Murdoch Childrens Research Institute
Classification: Pathogenic for Hypertrophic cardiomyopathy 26. Last evaluated: 2021-05-06. Review status: criteria provided, single submitter. Criteria: ACMG Guidelines, 2015. Collection method: clinical testing. Allele origin: germline. Inheritance: Autosomal dominant inheritance. Affected: no.
Comment: Based on the classification scheme VCGS_Germline_v1.3.4, this variant is classified as Pathogenic. Following criteria are met: 0103 - Loss of function and gain of function are known mechanisms of disease in this gene and are associated with FLNC-related disease. Loss of function variants have been reported to cause myopathy, myofibrillar, 5 (MIM#609524), myopathy, distal, 4 (MIM#614065), familial hypertrophic cardiomyopathy, 26 (MIM#617047) and dilated cardiomyopathy. Gain of function variants have also been reported to cause myopathy, distal, 4 (MIM#614065) (PMID: 28008423, PMID: 23109048). (I) 0107 - This gene is associated with autosomal dominant disease. (I) 0201 - Variant is predicted to cause nonsense-mediated decay (NMD) and loss of protein (premature termination codon is located at least 54 nucleotides upstream of the final exon-exon junction). (SP) 0251 - This variant is heterozygous. (I) 0301 - Variant is absent from gnomAD (both v2 and v3). (SP) 0701 - Other NMD-predicted variants comparable to the one identified in this case have very strong previous evidence for pathogenicity. These variants have been reported as pathogenic, and have been observed many in patients with dilated cardiomyopathy, and less commonly with arrhythmogenic cardiomyopathy or distal myopathy (ClinVar, PMID: 32112656). (SP) 0803 - This variant has limited previous evidence of pathogenicity in unrelated individuals. This variant has been reported as pathogenic, and observed in a deceased patient with arrhythmogenic cardiomyopathy (ClinVar, PMID: 31627847). (SP) 0905 - No published segregation evidence has been identified for this variant. (I) 1007 - No published functional evidence has been identified for this variant. (I) Legend: (SP) - Supporting pathogenic, (I) - Information, (SB) - Supporting benign

Literature cited by the submitters: PubMed 27908349 (cited by Labcorp Genetics (formerly Invitae), Labcorp); PubMed 23109048 (cited by Victorian Clinical Genetics Services, Murdoch Childrens Research Institute); PubMed 28008423 (cited by Victorian Clinical Genetics Services, Murdoch Childrens Research Institute); PubMed 31627847 (cited by Victorian Clinical Genetics Services, Murdoch Childrens Research Institute); PubMed 32112656 (cited by Victorian Clinical Genetics Services, Murdoch Childrens Research Institute).

NM_001458.5(FLNC):c.4108C>T (p.Arg1370Ter)

Gene: FLNC (filamin C; plus strand). Cytogenetic location: 7q32.1.
Variant type: single nucleotide variant.
Coding change: c.4108C>T on transcript NM_001458.5 (MANE Select); coding-DNA position 4108, C replaced by T.
Protein change: p.Arg1370Ter; replaces arginine 1370 with a stop codon.
Molecular consequence: nonsense.
Genome position (GRCh38, 1-based): chr7:128,846,444, C>T. VCF-style: chr7-128846444-C-T. GRCh37 (hg19) VCF-style: chr7-128486498-C-T.
Other names: c.4108C>T, p.Arg1370Ter (NM_001127487.2); short protein forms R1370*.
Identifiers: ClinVar variation 842060 (VCV000842060.15), dbSNP rs1342121466, ClinGen allele CA369199129.